The following is an entry in ClinVar:

NM_001189.4(NKX3-2):c.355G>C (p.Ala119Pro)

Gene: NKX3-2 (NK3 homeobox 2; minus strand). Cytogenetic location: 4p15.33.
Variant type: single nucleotide variant.
Coding change: c.355G>C on transcript NM_001189.4 (MANE Select); coding-DNA position 355, G replaced by C.
Protein change: p.Ala119Pro; replaces alanine 119 with proline.
Molecular consequence: missense variant.
Genome position (GRCh38, 1-based): chr4:13,544,060, C>G on the plus strand (G>C on the coding strand, the complement: NKX3-2 is on the minus strand). VCF-style: chr4-13544060-C-G. GRCh37 (hg19) VCF-style: chr4-13545684-C-G.
Other names: c.355G>C (NM_001189.3); short protein forms A119P.
Identifiers: ClinVar variation 1369037 (VCV001369037.9), dbSNP rs781766584, ClinGen allele CA2860410.
Genomic context (GRCh38, chr4:13,544,060, plus strand): 5'-CTAGGTCTTTGGAAGCGGCCAGCTCACAGACCGGCTGGCCGAGGCTCAAGGATCCCCCCG[C>G]AAGGCCGGCCCCGCTGGCCCCCCGCGCGTCCGCGCAGCGCCGCCTGCTCTCGTTCTCCTC-3'
Protein context (NP_001180.1, residues 109-129): DARGASGAGL[Ala119Pro]GGSLSLGQPV

ClinVar aggregate classification (germline): Uncertain significance. Review status: criteria provided, multiple submitters, no conflicts (2 of 4 stars). 2 submissions from 2 submitters: Uncertain significance (2). Last evaluated 2025-09-02.

Conditions:
Inborn genetic diseases. Identifiers: MedGen C0950123, MeSH D030342.

Allele frequency attached by ClinVar (database versions not stated): TOPMed 0.00012.
gnomAD v4.1: 64 of 1,572,788 alleles (0.0041%); highest among the groups gnomAD compares: African/African-American, 0.05%; 1 homozygote.

Submissions (2):

Labcorp Genetics (formerly Invitae), Labcorp
Classification: Uncertain significance. Last evaluated: 2025-09-02. Review status: criteria provided, single submitter. Criteria: Invitae Variant Classification Sherloc (09022015). Collection method: clinical testing. Allele origin: germline.
Comment: This sequence change replaces alanine, which is neutral and non-polar, with proline, which is neutral and non-polar, at codon 119 of the NKX3-2 protein (p.Ala119Pro). This variant is present in population databases (rs781766584, gnomAD 0.02%). This variant has not been reported in the literature in individuals affected with NKX3-2-related conditions. ClinVar contains an entry for this variant (Variation ID: 1369037). Invitae Evidence Modeling of protein sequence and biophysical properties (such as structural, functional, and spatial information, amino acid conservation, physicochemical variation, residue mobility, and thermodynamic stability) indicates that this missense variant is not expected to disrupt NKX3-2 protein function with a negative predictive value of 80%. In summary, the available evidence is currently insufficient to determine the role of this variant in disease. Therefore, it has been classified as a Variant of Uncertain Significance.

Ambry Genetics
Classification: Uncertain significance for Inborn genetic diseases. Last evaluated: 2021-06-11. Review status: criteria provided, single submitter. Criteria: Ambry Variant Classification Scheme 2023. Collection method: clinical testing. Allele origin: germline.